The following is an entry in ClinVar:

ClinVar aggregate classification (germline): Pathogenic (1 of 4 stars; one submission).

Submission:

Labcorp Genetics (formerly Invitae), Labcorp
Classification: Pathogenic. Last evaluated: 2025-02-09. Review status: criteria provided, single submitter. Criteria: Invitae Variant Classification Sherloc (09022015). Collection method: clinical testing. Allele origin: germline.
Comment: This sequence change creates a premature translational stop signal (p.Ser304*) in the TAB2 gene. It is expected to result in an absent or disrupted protein product. Loss-of-function variants in TAB2 are known to be pathogenic (PMID: 28386937, 31250519). This variant is not present in population databases (gnomAD no frequency). This variant has not been reported in the literature in individuals affected with TAB2-related conditions. For these reasons, this variant has been classified as Pathogenic.

Literature cited by the submitters: PubMed 28386937; PubMed 31250519.

NM_001292034.3(TAB2):c.911C>G (p.Ser304Ter)

Genes: TAB2 (TGF-beta activated kinase 1 (MAP3K7) binding protein 2; plus strand), LOC126859827 (BRD4-independent group 4 enhancer GRCh37_chr6:149699707-149700906; plus strand). Cytogenetic location: 6q25.1.
Variant type: single nucleotide variant.
Coding change: c.911C>G on transcript NM_001292034.3 (MANE Select); coding-DNA position 911, C replaced by G.
Protein change: p.Ser304Ter; replaces serine 304 with a stop codon.
Molecular consequence: nonsense.
Genome position (GRCh38, 1-based): chr6:149,378,826, C>G. VCF-style: chr6-149378826-C-G. GRCh37 (hg19) VCF-style: chr6-149699962-C-G.
Other names: c.815C>G, p.Ser272Ter (NM_001292035.3); c.911C>G, p.Ser304Ter (NM_001369506.1, NM_015093.6); short protein forms S304*, S272*.
Identifiers: ClinVar variation 4712643 (VCV004712643.1).
Genomic context (GRCh38, chr6:149,378,826, plus strand): 5'-ACATGCCAATCAGTTCACCTACTACTTCACAACCACCAACCATTCATTCATCTGGTAGCT[C>G]ACAGTCTTCTGCCCATAGCCAATATAACATTCAGAATATTTCAACAGGACCTCGAAAAAA-3'